The following is an entry in ClinVar:

ClinVar aggregate classification (germline): Uncertain significance (1 of 4 stars; one submission).

Conditions:
Hereditary cancer-predisposing syndrome. Also called: Neoplastic Syndromes, Hereditary; Tumor predisposition; Hereditary Cancer Syndrome; Hereditary neoplastic syndrome. Identifiers: Orphanet 140162, MedGen C0027672, MeSH D009386, MONDO:0015356.

Submission:

Ambry Genetics
Classification: Uncertain significance for Hereditary cancer-predisposing syndrome. Last evaluated: 2024-05-10. Review status: criteria provided, single submitter. Criteria: Ambry Variant Classification Scheme 2023. Collection method: clinical testing. Allele origin: germline.
Comment: The p.P222T variant (also known as c.664C>A), located in coding exon 6 of the TSC1 gene, results from a C to A substitution at nucleotide position 664.This change occurs in the first base pair of coding exon 6. The proline at codon 222 is replaced by threonine, an amino acid with highly similar properties. This amino acid position is highly conserved in available vertebrate species. In addition, this alteration is predicted to be deleterious by in silico analysis. Based on the available evidence, the clinical significance of this variant remains unclear.

NM_000368.5(TSC1):c.664C>A (p.Pro222Thr)

Gene: TSC1 (TSC complex subunit 1; minus strand). Cytogenetic location: 9q34.13.
Variant type: single nucleotide variant.
Coding change: c.664C>A on transcript NM_000368.5 (MANE Select); coding-DNA position 664, C replaced by A.
Protein change: p.Pro222Thr; replaces proline 222 with threonine.
Molecular consequence: missense variant.
Genome position (GRCh38, 1-based): chr9:132,921,436, G>T on the plus strand (C>A on the coding strand, the complement: TSC1 is on the minus strand). VCF-style: chr9-132921436-G-T. GRCh37 (hg19) VCF-style: chr9-135796823-G-T.
Other names: c.301C>A, p.Pro101Thr (NM_001406624.1, NM_001406625.1, NM_001362177.2 and 10 more transcripts); c.-430C>A (NM_001406630.1); c.664C>A, p.Pro222Thr (NM_001162426.2, NM_001406592.1, NM_001406593.1 and 16 more transcripts); c.511C>A, p.Pro171Thr (NM_001162427.2, NM_001406610.1, NM_001406611.1 and 2 more transcripts); short protein forms P101T, P222T, P171T.
Identifiers: ClinVar variation 1754677 (VCV001754677.3), dbSNP rs2132138508, ClinGen allele CA375371548.
Genomic context (GRCh38, chr9:132,921,436, plus strand): 5'-GTTCATGGTCCTTGGATCCAGTCACTAATTCCGGATGAATTCGCACATGCTCCATCATTG[G>T]CTAGAAGAGTTGGGTTGACAAATTATAAAGGGCTGAATGTTTGTGGAACATCCAAATGAT-3'
Protein context (NP_000359.1, residues 212-232): NLETFEEVVK[Pro222Thr]MMEHVRIHPE